The following is an entry in ClinVar:

NM_001244008.2(KIF1A):c.5081C>T (p.Ala1694Val)

Gene: KIF1A (kinesin family member 1A; minus strand). Cytogenetic location: 2q37.3.
Variant type: single nucleotide variant.
Coding change: c.5081C>T on transcript NM_001244008.2 (MANE Select); coding-DNA position 5081, C replaced by T.
Protein change: p.Ala1694Val; replaces alanine 1694 with valine.
Molecular consequence: missense variant.
Genome position (GRCh38, 1-based): chr2:240,719,139, G>A on the plus strand (C>T on the coding strand, the complement: KIF1A is on the minus strand). VCF-style: chr2-240719139-G-A. GRCh37 (hg19) VCF-style: chr2-241658556-G-A.
Other names: c.4805C>T, p.Ala1602Val (NM_001320705.2, NM_001379649.1); c.4832C>T, p.Ala1611Val (NM_001330289.2); c.4880C>T, p.Ala1627Val (NM_001330290.2, NM_001379648.1); c.5156C>T, p.Ala1719Val (NM_001379631.1); c.5057C>T, p.Ala1686Val (NM_001379632.1); c.5054C>T, p.Ala1685Val (NM_001379633.1, NM_001379645.1); c.4907C>T, p.Ala1636Val (NM_001379634.1); c.4904C>T, p.Ala1635Val (NM_001379635.1, NM_001379646.1); and 7 more; short protein forms A1592V, A1602V, A1601V, A1635V, A1636V, A1685V, A1719V, A1593V.
Identifiers: ClinVar variation 2937596 (VCV002937596.3), dbSNP rs2044943984, ClinGen allele CA351298603.

ClinVar aggregate classification (germline): Uncertain significance (1 of 4 stars; one submission).

Conditions:
Neuropathy, hereditary sensory, type 2C. Also called: KIF1A-Related HSAN2 (HSAN2C); Hereditary sensory and autonomic neuropathy type IIC. Identifiers: Orphanet 970, MedGen C3280168, MONDO:0013634, OMIM 614213.
Hereditary spastic paraplegia 30. Identifiers: Orphanet 101010, MedGen C5235139, MONDO:0012476.
Intellectual disability, autosomal dominant 9 (NESCAVS). Also called: NESCAV SYNDROME; KIF1A-Related Neurodevelopmental Disorder. Identifiers: Orphanet 662367, MedGen C5393830, MONDO:0013656, OMIM 614255.

Allele frequency attached by ClinVar (database versions not stated): TOPMed below 0.00001; gnomAD 0.00001; gnomAD exomes 0.00001.
gnomAD v4.1: 14 of 1,612,418 alleles (0.00087%); highest among the groups gnomAD compares: Non-Finnish European, 0.0011%; no homozygotes.

Submission:

Labcorp Genetics (formerly Invitae), Labcorp
Classification: Uncertain significance for Hereditary spastic paraplegia 30; Neuropathy, hereditary sensory, type 2C; Intellectual disability, autosomal dominant 9. Last evaluated: 2023-05-25. Review status: criteria provided, single submitter. Criteria: Invitae Variant Classification Sherloc (09022015). Collection method: clinical testing. Allele origin: germline.
Comment: This sequence change replaces alanine, which is neutral and non-polar, with valine, which is neutral and non-polar, at codon 1593 of the KIF1A protein (p.Ala1593Val). In summary, the available evidence is currently insufficient to determine the role of this variant in disease. Therefore, it has been classified as a Variant of Uncertain Significance. Advanced modeling of protein sequence and biophysical properties (such as structural, functional, and spatial information, amino acid conservation, physicochemical variation, residue mobility, and thermodynamic stability) performed at Invitae indicates that this missense variant is not expected to disrupt KIF1A protein function. This variant has not been reported in the literature in individuals affected with KIF1A-related conditions. This variant is not present in population databases (gnomAD no frequency).